The following is an entry in ClinVar:

NM_003628.6(PKP4):c.20C>A (p.Ala7Asp)

Gene: PKP4 (plakophilin 4; plus strand). Cytogenetic location: 2q24.1.
Variant type: single nucleotide variant.
Coding change: c.20C>A on transcript NM_003628.6 (MANE Select); coding-DNA position 20, C replaced by A.
Protein change: p.Ala7Asp; replaces alanine 7 with aspartic acid.
Molecular consequence: missense variant. On other transcripts: 5 prime UTR variant (1).
Genome position (GRCh38, 1-based): chr2:158,533,204, C>A. VCF-style: chr2-158533204-C-A. GRCh37 (hg19) VCF-style: chr2-159389716-C-A.
Other names: c.20C>A, p.Ala7Asp (NM_001005476.4, NM_001304969.3, NM_001304971.2 and 9 more transcripts); c.-930C>A (NM_001304970.3); short protein forms A7D.
Identifiers: ClinVar variation 3223497 (VCV003223497.1), dbSNP rs201192196, ClinGen allele CA1920247.

ClinVar aggregate classification (germline): Uncertain significance (1 of 4 stars; one submission).

Allele frequency attached by ClinVar (database versions not stated): TOPMed below 0.00001; ExAC 0.00001; gnomAD 0.00001; gnomAD exomes 0.00001; 1000 Genomes Project 30x 0.00016; 1000 Genomes Project 0.00020.
gnomAD v4.1: 15 of 1,613,180 alleles (0.00093%); highest among the groups gnomAD compares: Non-Finnish European, 0.0012%; no homozygotes.

Submission:

Ambry Genetics
Classification: Uncertain significance. Last evaluated: 2023-10-02. Review status: criteria provided, single submitter. Criteria: Ambry Variant Classification Scheme 2023. Collection method: clinical testing. Allele origin: germline.
Comment: The p.A7D variant (also known as c.20C>A), located in coding exon 1 of the PKP4 gene, results from a C to A substitution at nucleotide position 20. The alanine at codon 7 is replaced by aspartic acid, an amino acid with dissimilar properties. This amino acid position is conserved. In addition, this alteration is predicted to be tolerated by in silico analysis. Since supporting evidence is limited at this time, the clinical significance of this alteration remains unclear.